The following is an entry in ClinVar:

ClinVar aggregate classification (germline): Uncertain significance (1 of 4 stars; one submission).

Conditions:
Gastrointestinal stromal tumor. Also called: Gastrointestinal stromal tumor, somatic; Gastrointestinal stroma tumor. Identifiers: Orphanet 44890, MedGen C0238198, MeSH D046152, MONDO:0011719, OMIM 606764, HP:0100723.

gnomAD v4.1: 1 of 1,614,164 alleles (0.000062%); highest among the groups gnomAD compares: Non-Finnish European, 0.000085%; no homozygotes.

Submission:

Labcorp Genetics (formerly Invitae), Labcorp
Classification: Uncertain significance for Gastrointestinal stromal tumor. Last evaluated: 2022-01-05. Review status: criteria provided, single submitter. Criteria: Invitae Variant Classification Sherloc (09022015). Collection method: clinical testing. Allele origin: germline.
Comment: In summary, the available evidence is currently insufficient to determine the role of this variant in disease. Therefore, it has been classified as a Variant of Uncertain Significance. Algorithms developed to predict the effect of missense changes on protein structure and function (SIFT, PolyPhen-2, Align-GVGD) all suggest that this variant is likely to be tolerated. ClinVar contains an entry for this variant (Variation ID: 1019988). This variant has not been reported in the literature in individuals affected with PDGFRA-related conditions. This variant is not present in population databases (gnomAD no frequency). This sequence change replaces valine, which is neutral and non-polar, with isoleucine, which is neutral and non-polar, at codon 266 of the PDGFRA protein (p.Val266Ile).

NM_006206.6(PDGFRA):c.796G>A (p.Val266Ile)

Gene: PDGFRA (platelet derived growth factor receptor alpha; plus strand). Cytogenetic location: 4q12.
Variant type: single nucleotide variant.
Coding change: c.796G>A on transcript NM_006206.6 (MANE Select); coding-DNA position 796, G replaced by A.
Protein change: p.Val266Ile; replaces valine 266 with isoleucine.
Molecular consequence: missense variant.
Genome position (GRCh38, 1-based): chr4:54,267,325, G>A. VCF-style: chr4-54267325-G-A. GRCh37 (hg19) VCF-style: chr4-55133492-G-A.
Other names: c.796G>A, p.Val266Ile (NM_001347827.2, NM_001347829.2); c.871G>A, p.Val291Ile (NM_001347828.2); c.835G>A, p.Val279Ile (NM_001347830.2); short protein forms V266I, V279I, V291I.
Identifiers: ClinVar variation 1019988 (VCV001019988.9), dbSNP rs1723082812, ClinGen allele CA356891129.